The following is an entry in ClinVar:

ClinVar aggregate classification (germline): Uncertain significance (0 of 4 stars; one submission).

Conditions:
BRD4-related disorder. Also called: BRD4-related condition.

Submission:

PreventionGenetics, part of Exact Sciences
Classification: Uncertain significance for BRD4-related condition. Last evaluated: 2024-04-19. Review status: no assertion criteria provided. Collection method: clinical testing. Allele origin: germline.
Comment: The BRD4 c.2304_2315delinsTGT variant is predicted to result in an in-frame deletion and insertion. To our knowledge, this variant has not been reported in the literature or in a large population database, indicating this variant is rare. This variant could be pathogenic. At this time, the clinical significance of this variant is uncertain due to the absence of conclusive functional and genetic evidence.

NM_001379291.1(BRD4):c.2304_2315delinsTGT (p.Pro769_Gln772delinsVal)

Gene: BRD4 (bromodomain containing 4; minus strand). Cytogenetic location: 19p13.12.
Variant type: Indel.
Coding change: c.2304_2315delinsTGT on transcript NM_001379291.1 (MANE Select); coding-DNA positions 2304 to 2315, ACCTCCGCAGCA replaced by TGT.
Protein change: p.Pro769_Gln772delinsVal.
Molecular consequence: inframe indel.
Genome position (GRCh38, 1-based): chr19:15,244,497-15,244,508, TGCTGCGGAGGT replaced by ACA on the plus strand (ACCTCCGCAGCA replaced by TGT on the coding strand, the reverse complement: BRD4 is on the minus strand). VCF-style: chr19-15244497-TGCTGCGGAGGT-ACA. GRCh37 (hg19) VCF-style: chr19-15355308-TGCTGCGGAGGT-ACA.
Other names: c.2304_2315delinsTGT, p.Pro769_Gln772delinsVal (NM_058243.3).
Identifiers: ClinVar variation 3347703 (VCV003347703.1).